The following is an entry in ClinVar:

ClinVar aggregate classification (germline): Likely benign (0 of 4 stars; one submission).

Conditions:
PCSK5-related disorder. Also called: PCSK5-related condition.

Allele frequency attached by ClinVar (database versions not stated): gnomAD exomes 0.00014; ESP Exome Variant Server 0.00015; 1000 Genomes Project 30x 0.00016; 1000 Genomes Project 0.00020; gnomAD 0.00021; ExAC 0.00030; TOPMed 0.00034.
gnomAD v4.1: 248 of 1,613,530 alleles (0.015%); highest among the groups gnomAD compares: South Asian, 0.07%; no homozygotes.

Submission:

PreventionGenetics, part of Exact Sciences
Classification: Likely benign for PCSK5-related condition. Last evaluated: 2021-09-29. Review status: no assertion criteria provided. Collection method: clinical testing. Allele origin: germline.
Comment: This variant is classified as likely benign based on ACMG/AMP sequence variant interpretation guidelines (Richards et al. 2015 PMID: 25741868, with internal and published modifications).

NM_001372043.1(PCSK5):c.1653C>T (p.Asn551=)

Gene: PCSK5 (proprotein convertase subtilisin/kexin type 5; plus strand). Cytogenetic location: 9q21.13.
Variant type: single nucleotide variant.
Coding change: c.1653C>T on transcript NM_001372043.1 (MANE Select); coding-DNA position 1653, C replaced by T.
Protein change: p.Asn551=; no amino-acid change (asparagine 551 retained).
Molecular consequence: synonymous variant. On other transcripts: non-coding transcript variant (1).
Genome position (GRCh38, 1-based): chr9:76,169,737, C>T. VCF-style: chr9-76169737-C-T. GRCh37 (hg19) VCF-style: chr9-78784653-C-T.
Other names: c.1653C>T, p.Asn551= (NM_001190482.2, NM_006200.6).
Identifiers: ClinVar variation 3048212 (VCV003048212.2), dbSNP rs148331502, ClinGen allele CA5086772.